The following is an entry in ClinVar:

ClinVar aggregate classification (germline): Uncertain significance (1 of 4 stars; one submission).

Submission:

Labcorp Genetics (formerly Invitae), Labcorp
Classification: Uncertain significance. Last evaluated: 2025-12-20. Review status: criteria provided, single submitter. Criteria: Invitae Variant Classification Sherloc (09022015). Collection method: clinical testing. Allele origin: germline.
Comment: This sequence change replaces arginine, which is basic and polar, with leucine, which is neutral and non-polar, at codon 112 of the APOA4 protein (p.Arg112Leu). This variant is not present in population databases (gnomAD no frequency). This variant has not been reported in the literature in individuals affected with APOA4-related conditions. Invitae Evidence Modeling of protein sequence and biophysical properties (such as structural, functional, and spatial information, amino acid conservation, physicochemical variation, residue mobility, and thermodynamic stability) has been performed for this missense variant. However, the output from this modeling did not meet the statistical confidence thresholds required to predict the impact of this variant on APOA4 protein function. In summary, the available evidence is currently insufficient to determine the role of this variant in disease. Therefore, it has been classified as a Variant of Uncertain Significance.

NM_000482.4(APOA4):c.335G>T (p.Arg112Leu)

Gene: APOA4 (apolipoprotein A4; minus strand). Cytogenetic location: 11q23.3.
Variant type: single nucleotide variant.
Coding change: c.335G>T on transcript NM_000482.4 (MANE Select); coding-DNA position 335, G replaced by T.
Protein change: p.Arg112Leu; replaces arginine 112 with leucine.
Molecular consequence: missense variant.
Genome position (GRCh38, 1-based): chr11:116,821,723, C>A on the plus strand (G>T on the coding strand, the complement: APOA4 is on the minus strand). VCF-style: chr11-116821723-C-A. GRCh37 (hg19) VCF-style: chr11-116692439-C-A.
Other names: short protein forms R112L.
Identifiers: ClinVar variation 4698364 (VCV004698364.1).